The following is an entry in ClinVar:

ClinVar aggregate classification (germline): Uncertain significance (1 of 4 stars; one submission).

Conditions:
Marinesco-Sjögren syndrome (MSS). Also called: Marinesco-Sjogren Syndrome; Marinesco-SjÃ¶gren syndrome. Identifiers: Orphanet 559, MedGen C0024814, MONDO:0009567, OMIM 248800.

Allele frequency attached by ClinVar (database versions not stated): gnomAD 0.00001; TOPMed 0.00001; gnomAD exomes 0.00002; ExAC 0.00003; ESP Exome Variant Server 0.00008.
gnomAD v4.1: 32 of 1,613,942 alleles (0.002%); highest among the groups gnomAD compares: Middle Eastern, 0.067%; no homozygotes.

Submission:

Labcorp Genetics (formerly Invitae), Labcorp
Classification: Uncertain significance for Marinesco-Sjögren syndrome. Last evaluated: 2022-06-24. Review status: criteria provided, single submitter. Criteria: Invitae Variant Classification Sherloc (09022015). Collection method: clinical testing. Allele origin: germline.
Comment: This sequence change replaces glutamine, which is neutral and polar, with lysine, which is basic and polar, at codon 80 of the SIL1 protein (p.Gln80Lys). This variant is present in population databases (rs369018006, gnomAD 0.01%). This variant has not been reported in the literature in individuals affected with SIL1-related conditions. Algorithms developed to predict the effect of missense changes on protein structure and function (SIFT, PolyPhen-2, Align-GVGD) all suggest that this variant is likely to be tolerated. In summary, the available evidence is currently insufficient to determine the role of this variant in disease. Therefore, it has been classified as a Variant of Uncertain Significance.

NM_022464.5(SIL1):c.238C>A (p.Gln80Lys)

Gene: SIL1 (SIL1 nucleotide exchange factor; minus strand). Cytogenetic location: 5q31.2.
Variant type: single nucleotide variant.
Coding change: c.238C>A on transcript NM_022464.5 (MANE Select); coding-DNA position 238, C replaced by A.
Protein change: p.Gln80Lys; replaces glutamine 80 with lysine.
Molecular consequence: missense variant.
Genome position (GRCh38, 1-based): chr5:139,121,041, G>T on the plus strand (C>A on the coding strand, the complement: SIL1 is on the minus strand). VCF-style: chr5-139121041-G-T. GRCh37 (hg19) VCF-style: chr5-138456730-G-T.
Other names: c.238C>A, p.Gln80Lys (NM_001037633.2); short protein forms Q80K.
Identifiers: ClinVar variation 1928078 (VCV001928078.2), dbSNP rs369018006, ClinGen allele CA3432651.